The following is an entry in ClinVar:

ClinVar aggregate classification (germline): Uncertain significance. Review status: criteria provided, multiple submitters, no conflicts (2 of 4 stars). 2 submissions from 2 submitters: Uncertain significance (2). Last evaluated 2023-05-01.

Conditions:
Spermatogenic failure 18. Identifiers: MedGen C4539783, MONDO:0054615, OMIM 617576.
Ciliary dyskinesia, primary, 37 (CILD37). Also called: CILIARY DYSKINESIA, PRIMARY, 37, WITH OR WITHOUT SITUS INVERSUS. Identifiers: MedGen C4539798, MONDO:0033204, OMIM 617577.

Allele frequency attached by ClinVar (database versions not stated): gnomAD exomes 0.00001.
gnomAD v4.1: 4 of 1,613,786 alleles (0.00025%); highest among the groups gnomAD compares: Non-Finnish European, 0.00034%; no homozygotes.

Submissions (2):

CeGaT Center for Human Genetics Tuebingen
Classification: Uncertain significance. Last evaluated: 2023-05-01. Review status: criteria provided, single submitter. Criteria: CeGaT Center For Human Genetics Tuebingen Variant Classification Criteria Version 2. Collection method: clinical testing. Allele origin: germline. Affected: yes. Observed: 1 variant allele.
Comment: DNAH1: PM2

Labcorp Genetics (formerly Invitae), Labcorp
Classification: Uncertain significance for Ciliary dyskinesia, primary, 37; Spermatogenic failure 18. Last evaluated: 2020-10-27. Review status: criteria provided, single submitter. Criteria: Invitae Variant Classification Sherloc (09022015). Collection method: clinical testing. Allele origin: germline.
Comment: This sequence change replaces glycine with aspartic acid at codon 3359 of the DNAH1 protein (p.Gly3359Asp). The glycine residue is highly conserved and there is a moderate physicochemical difference between glycine and aspartic acid. This variant is not present in population databases (ExAC no frequency). This variant has not been reported in the literature in individuals with DNAH1-related conditions. Algorithms developed to predict the effect of missense changes on protein structure and function are either unavailable or do not agree on the potential impact of this missense change (SIFT: "Deleterious"; PolyPhen-2: "Possibly Damaging"; Align-GVGD: "Class C0"). In summary, the available evidence is currently insufficient to determine the role of this variant in disease. Therefore, it has been classified as a Variant of Uncertain Significance.

NM_015512.5(DNAH1):c.10076G>A (p.Gly3359Asp)

Gene: DNAH1 (dynein axonemal heavy chain 1; plus strand). Cytogenetic location: 3p21.1.
Variant type: single nucleotide variant.
Coding change: c.10076G>A on transcript NM_015512.5 (MANE Select); coding-DNA position 10076, G replaced by A.
Protein change: p.Gly3359Asp; replaces glycine 3359 with aspartic acid.
Molecular consequence: missense variant.
Genome position (GRCh38, 1-based): chr3:52,392,487, G>A. VCF-style: chr3-52392487-G-A. GRCh37 (hg19) VCF-style: chr3-52426503-G-A.
Other names: short protein forms G3359D.
Identifiers: ClinVar variation 1009238 (VCV001009238.29), dbSNP rs1437972390, ClinGen allele CA353200293.